The following is an entry in ClinVar:

ClinVar aggregate classification (germline): Benign (1 of 4 stars; one submission).

Allele frequency attached by ClinVar (database versions not stated): gnomAD exomes 0.10290; gnomAD 0.24995 and 0.25655; TOPMed 0.27128; 1000 Genomes Project 0.31909; 1000 Genomes Project 30x 0.32511.
gnomAD v4.1: 100,928 of 756,334 alleles (13%); highest among the groups gnomAD compares: African/African-American, 66%; 16,722 homozygotes.

Submission:

GeneDx
Classification: Benign. Last evaluated: 2018-06-14. Review status: criteria provided, single submitter. Criteria: GeneDx Variant Classification (06012015). Collection method: clinical testing. Allele origin: germline. Affected: yes.
Comment: This variant is considered likely benign or benign based on one or more of the following criteria: it is a conservative change, it occurs at a poorly conserved position in the protein, it is predicted to be benign by multiple in silico algorithms, and/or has population frequency not consistent with disease.

NM_032119.4(ADGRV1):c.13653+98C>T

Gene: ADGRV1 (adhesion G protein-coupled receptor V1; plus strand). Cytogenetic location: 5q14.3.
Variant type: single nucleotide variant.
Coding change: c.13653+98C>T on transcript NM_032119.4 (MANE Select); 98 bases into the intron after coding-DNA position 13653, C replaced by T.
Molecular consequence: intron variant.
Genome position (GRCh38, 1-based): chr5:90,784,155, C>T. VCF-style: chr5-90784155-C-T. GRCh37 (hg19) VCF-style: chr5-90079972-C-T.
Identifiers: ClinVar variation 675839 (VCV000675839.1), dbSNP rs879571, ClinGen allele CA122809542.